The following is an entry in ClinVar:

NM_145239.3(PRRT2):c.322A>T (p.Thr108Ser)

Genes: MVP-DT (MVP divergent transcript; minus strand), PRRT2 (proline rich transmembrane protein 2; plus strand). Cytogenetic location: 16p11.2.
Variant type: single nucleotide variant.
Coding change: c.322A>T on transcript NM_145239.3 (MANE Select); coding-DNA position 322, A replaced by T.
Protein change: p.Thr108Ser; replaces threonine 108 with serine.
Molecular consequence: missense variant.
Genome position (GRCh38, 1-based): chr16:29,813,376, A>T. VCF-style: chr16-29813376-A-T. GRCh37 (hg19) VCF-style: chr16-29824697-A-T.
Other names: c.322A>T, p.Thr108Ser (NM_001256442.2, NM_001256443.2); short protein forms T108S.
Identifiers: ClinVar variation 958057 (VCV000958057.10), dbSNP rs766161876, ClinGen allele CA7994511.
Genomic context (GRCh38, chr16:29,813,376, plus strand): 5'-AGCTTAAGCCCAGGAGGGGAATCAAAGGCCAACTGCAGCCCCGAAGACCCATGCCAAGAA[A>T]CAGTGTCCAAACCAGAAGTGAGCAAAGAGGCCACTGCAGACCAGGGGTCCAGGCTGGAGT-3'
Protein context (NP_660282.2, residues 98-118): NCSPEDPCQE[Thr108Ser]VSKPEVSKEA

ClinVar aggregate classification (germline): Uncertain significance (1 of 4 stars; one submission).

Conditions:
Episodic kinesigenic dyskinesia (EKD). Also called: Paroxysmal kinesigenic dyskinesia. Identifiers: Orphanet 98809, MedGen C1868682, MONDO:0044202.

Allele frequency attached by ClinVar (database versions not stated): gnomAD exomes below 0.00001 and 0.00001; ExAC 0.00001.
gnomAD v4.1: 8 of 1,614,100 alleles (0.0005%); highest among the groups gnomAD compares: Non-Finnish European, 0.00068%; no homozygotes.

Submission:

Labcorp Genetics (formerly Invitae), Labcorp
Classification: Uncertain significance for Episodic kinesigenic dyskinesia. Last evaluated: 2019-07-30. Review status: criteria provided, single submitter. Criteria: Invitae Variant Classification Sherloc (09022015). Collection method: clinical testing. Allele origin: germline.
Comment: This sequence change replaces threonine with serine at codon 108 of the PRRT2 protein (p.Thr108Ser). The threonine residue is weakly conserved and there is a small physicochemical difference between threonine and serine. This variant is present in population databases (rs766161876, ExAC 0.002%). This variant has not been reported in the literature in individuals with PRRT2-related conditions. Algorithms developed to predict the effect of missense changes on protein structure and function output the following: SIFT: "Tolerated"; PolyPhen-2: "Benign"; Align-GVGD: "Class C0". The serine amino acid residue is found in multiple mammalian species, suggesting that this missense change does not adversely affect protein function. These predictions have not been confirmed by published functional studies and their clinical significance is uncertain. In summary, the available evidence is currently insufficient to determine the role of this variant in disease. Therefore, it has been classified as a Variant of Uncertain Significance.